The following is an entry in ClinVar:

NM_000337.6(SGCD):c.4-41G>T

Gene: SGCD (sarcoglycan delta; plus strand). Cytogenetic location: 5q33.3.
Variant type: single nucleotide variant.
Coding change: c.4-41G>T on transcript NM_000337.6 (MANE Select); 41 bases into the intron before coding-DNA position 4, G replaced by T.
Molecular consequence: intron variant.
Genome position (GRCh38, 1-based): chr5:156,344,448, G>T. VCF-style: chr5-156344448-G-T. GRCh37 (hg19) VCF-style: chr5-155771458-G-T.
Other names: NC_000005.9:g.155771458G>T; c.1-41G>T (NM_001128209.2); c.4-41G>T (NM_172244.3).
Identifiers: ClinVar variation 673083 (VCV000673083.3), dbSNP rs200386436, ClinGen allele CA3530458.

ClinVar aggregate classification (germline): Likely benign. Review status: criteria provided, multiple submitters, no conflicts (2 of 4 stars). 2 submissions from 2 submitters: Likely benign (2). Last evaluated 2018-06-14.

Allele frequency attached by ClinVar (database versions not stated): 1000 Genomes Project 0.00120; 1000 Genomes Project 30x 0.00156; gnomAD 0.00725; TOPMed 0.00778; ESP Exome Variant Server 0.00969.
gnomAD v4.1: 13,921 of 1,350,004 alleles (1%); highest among the groups gnomAD compares: Non-Finnish European, 1.2%; 107 homozygotes.

Submissions (4):

GeneDx
Classification: Likely benign. Last evaluated: 2018-06-14. Review status: criteria provided, single submitter. Criteria: GeneDx Variant Classification (06012015). Collection method: clinical testing. Allele origin: germline. Affected: yes.
Comment: This variant is considered likely benign or benign based on one or more of the following criteria: it is a conservative change, it occurs at a poorly conserved position in the protein, it is predicted to be benign by multiple in silico algorithms, and/or has population frequency not consistent with disease.

Breakthrough Genomics
Classification: Likely benign. Review status: criteria provided, single submitter. Criteria: ACMG Guidelines, 2015. Collection method: not provided. Allele origin: germline. Inheritance: Autosomal recessive inheritance. Affected: yes.

Dr. Peter K. Rogan Lab, Western University
No classification provided (evidence only). Condition: Familial cancer of breast. Review status: no classification provided. Collection method: in vitro. Allele origin: not applicable. Functional consequence: retained intron. Not counted in ClinVar's aggregate classification.

Dr. Peter K. Rogan Lab, Western University
No classification provided (evidence only). Condition: Uterine carcinosarcoma. Review status: no classification provided. Collection method: in vitro. Allele origin: not applicable. Functional consequence: retained intron. Not counted in ClinVar's aggregate classification.